The following is an entry in ClinVar:

ClinVar aggregate classification (germline): Uncertain significance (1 of 4 stars; one submission).

Conditions:
Severe combined immunodeficiency due to DCLRE1C deficiency (RS-SCID). Also called: SCID, AUTOSOMAL RECESSIVE, T CELL-NEGATIVE, B CELL-NEGATIVE, NK CELL-POSITIVE, WITH SENSITIVITY TO IONIZING RADIATION. Identifiers: Orphanet 275, MedGen C1865371, MONDO:0011225, OMIM 602450.

Allele frequency attached by ClinVar (database versions not stated): gnomAD exomes below 0.00001.
gnomAD v4.1: 1 of 1,613,792 alleles (0.000062%); highest among the groups gnomAD compares: Non-Finnish European, 0.000085%; no homozygotes.

Submission:

Labcorp Genetics (formerly Invitae), Labcorp
Classification: Uncertain significance for Athabaskan severe combined immunodeficiency. Last evaluated: 2021-09-02. Review status: criteria provided, single submitter. Criteria: Invitae Variant Classification Sherloc (09022015). Collection method: clinical testing. Allele origin: germline.
Comment: This sequence change replaces serine with cysteine at codon 290 of the DCLRE1C protein (p.Ser290Cys). The serine residue is highly conserved and there is a moderate physicochemical difference between serine and cysteine. This variant is not present in population databases (ExAC no frequency). This variant has not been reported in the literature in individuals affected with DCLRE1C-related conditions. Algorithms developed to predict the effect of missense changes on protein structure and function are either unavailable or do not agree on the potential impact of this missense change (SIFT: "Tolerated"; PolyPhen-2: "Probably Damaging"; Align-GVGD: "Class C15"). In summary, the available evidence is currently insufficient to determine the role of this variant in disease. Therefore, it has been classified as a Variant of Uncertain Significance.

NM_001033855.3(DCLRE1C):c.869C>G (p.Ser290Cys)

Gene: DCLRE1C (DNA cross-link repair 1C; minus strand). Cytogenetic location: 10p13.
Variant type: single nucleotide variant.
Coding change: c.869C>G on transcript NM_001033855.3 (MANE Select); coding-DNA position 869, C replaced by G.
Protein change: p.Ser290Cys; replaces serine 290 with cysteine.
Molecular consequence: missense variant. On other transcripts: non-coding transcript variant (4).
Genome position (GRCh38, 1-based): chr10:14,928,064, G>C on the plus strand (C>G on the coding strand, the complement: DCLRE1C is on the minus strand). VCF-style: chr10-14928064-G-C. GRCh37 (hg19) VCF-style: chr10-14970063-G-C.
Other names: c.509C>G, p.Ser170Cys (NM_001033857.3, NM_001033858.3, NM_001289077.2 and 2 more transcripts); c.524C>G, p.Ser175Cys (NM_001289076.2, NM_001289078.2, NM_001350966.2 and 1 more transcripts); c.869C>G, p.Ser290Cys (NM_001350965.2); short protein forms S175C, S290C, S170C.
Identifiers: ClinVar variation 663225 (VCV000663225.6), dbSNP rs1589019320, ClinGen allele CA376055919.